The following is an entry in ClinVar:

ClinVar aggregate classification (germline): Uncertain significance. Review status: criteria provided, multiple submitters, no conflicts (2 of 4 stars). 2 submissions from 2 submitters: Uncertain significance (2). Last evaluated 2025-04-14.

Conditions:
Inborn genetic diseases. Identifiers: MedGen C0950123, MeSH D030342.

Allele frequency attached by ClinVar (database versions not stated): gnomAD 0.00001 and 0.00002; TOPMed 0.00002.
gnomAD v4.1: 1 of 1,613,964 alleles (0.000062%); highest among the groups gnomAD compares: African/African-American, 0.0013%; no homozygotes.

Submissions (2):

Ambry Genetics
Classification: Uncertain significance for Inborn genetic diseases. Last evaluated: 2025-04-14. Review status: criteria provided, single submitter. Criteria: Ambry Variant Classification Scheme 2023. Collection method: clinical testing. Allele origin: germline.

GeneDx
Classification: Uncertain significance. Last evaluated: 2017-06-06. Review status: criteria provided, single submitter. Criteria: GeneDx Variant Classification (06012015). Collection method: clinical testing. Allele origin: germline. Affected: yes.
Comment: The S99G variant in the TBX4 gene has not been reported previously as a pathogenic variant, nor as a benign variant, to our knowledge. The S99G variant is not observed in large population cohorts (Lek et al., 2016; 1000 Genomes Consortium et al., 2015; Exome Variant Server). The S99G variant is a non-conservative amino acid substitution, which is likely to impact secondary protein structure as these residues differ in polarity, charge, size and/or other properties. This substitution occurs at a position that is conserved across species, but in silico analysis is inconsistent in its predictions as to whether or not the variant is damaging to the protein structure/function. We interpret S99G as a variant of uncertain significance.

NM_001321120.2(TBX4):c.295A>G (p.Ser99Gly)

Gene: TBX4 (T-box transcription factor 4; plus strand). Cytogenetic location: 17q23.2.
Variant type: single nucleotide variant.
Coding change: c.295A>G on transcript NM_001321120.2 (MANE Select); coding-DNA position 295, A replaced by G.
Protein change: p.Ser99Gly; replaces serine 99 with glycine.
Molecular consequence: missense variant.
Genome position (GRCh38, 1-based): chr17:61,465,832, A>G. VCF-style: chr17-61465832-A-G. GRCh37 (hg19) VCF-style: chr17-59543193-A-G.
Other names: c.295A>G, p.Ser99Gly (LRG_1206t1, NM_018488.3); short protein forms S99G.
Identifiers: ClinVar variation 432517 (VCV000432517.3), dbSNP rs868125246, ClinGen allele CA292263418.
Genomic context (GRCh38, chr17:61,465,832, plus strand): 5'-CCTGGTGCTCTGTCCACACGCTCCGCCTCACCCCTCGGCTCCCCCAGGAGGATGTTCCCC[A>G]GCTACAAGGTAAAAGTCACAGGCATGAACCCCAAGACCAAGTATATCCTGCTGATTGACA-3'
Protein context (NP_001308049.1, residues 89-109): ITKAGRRMFP[Ser99Gly]YKVKVTGMNP